The following is an entry in ClinVar:

NM_004453.4(ETFDH):c.344C>G (p.Ser115Ter)

Gene: ETFDH (electron transfer flavoprotein dehydrogenase; plus strand). Cytogenetic location: 4q32.1.
Variant type: single nucleotide variant.
Coding change: c.344C>G on transcript NM_004453.4 (MANE Select); coding-DNA position 344, C replaced by G.
Protein change: p.Ser115Ter; replaces serine 115 with a stop codon.
Molecular consequence: nonsense.
Genome position (GRCh38, 1-based): chr4:158,682,363, C>G. VCF-style: chr4-158682363-C-G. GRCh37 (hg19) VCF-style: chr4-159603515-C-G.
Other names: c.203C>G, p.Ser68Ter (NM_001281737.2); c.161C>G, p.Ser54Ter (NM_001281738.1); short protein forms S68*, S115*, S54*.
Identifiers: ClinVar variation 1460191 (VCV001460191.8), dbSNP rs2150305273, ClinGen allele CA358574392.

ClinVar aggregate classification (germline): Pathogenic/Likely pathogenic. Review status: criteria provided, multiple submitters, no conflicts (2 of 4 stars). 2 submissions from 2 submitters: Pathogenic (1); Likely pathogenic (1). Last evaluated 2023-02-28.

Conditions:
Multiple acyl-CoA dehydrogenase deficiency (MADD). Also called: Glutaric acidemia type II; GA 2; Glutaric aciduria, type 2; ETHYLMALONIC-ADIPICACIDURIA; GA II; Glutaric Acidemia type 2. Identifiers: Orphanet 26791, MedGen C0268596, MONDO:0009282, OMIM 231680.

gnomAD v4.1: 1 of 1,614,172 alleles (0.000062%); highest among the groups gnomAD compares: Non-Finnish European, 0.000085%; no homozygotes.

Submissions (2):

Baylor Genetics
Classification: Likely pathogenic for Multiple acyl-CoA dehydrogenase deficiency. Last evaluated: 2023-02-28. Review status: criteria provided, single submitter. Criteria: ACMG Guidelines, 2015. Collection method: clinical testing. Allele origin: unknown.

Labcorp Genetics (formerly Invitae), Labcorp
Classification: Pathogenic for Multiple acyl-CoA dehydrogenase deficiency. Last evaluated: 2021-03-23. Review status: criteria provided, single submitter. Criteria: Invitae Variant Classification Sherloc (09022015). Collection method: clinical testing. Allele origin: germline.
Comment: For these reasons, this variant has been classified as Pathogenic. This variant has not been reported in the literature in individuals with ETFDH-related conditions. This variant is not present in population databases (ExAC no frequency). This sequence change creates a premature translational stop signal (p.Ser115*) in the ETFDH gene. It is expected to result in an absent or disrupted protein product. Loss-of-function variants in ETFDH are known to be pathogenic (PMID: 16510302, 23785301).

Literature cited by the submitters: PubMed 16510302 (cited by Labcorp Genetics (formerly Invitae), Labcorp); PubMed 23785301 (cited by Labcorp Genetics (formerly Invitae), Labcorp).